The following is an entry in ClinVar:

NM_005618.4(DLL1):c.1454G>A (p.Cys485Tyr)

Gene: DLL1 (delta like canonical Notch ligand 1; minus strand). Cytogenetic location: 6q27.
Variant type: single nucleotide variant.
Coding change: c.1454G>A on transcript NM_005618.4 (MANE Select); coding-DNA position 1454, G replaced by A.
Protein change: p.Cys485Tyr; replaces cysteine 485 with tyrosine.
Molecular consequence: missense variant.
Genome position (GRCh38, 1-based): chr6:170,283,825, C>T on the plus strand (G>A on the coding strand, the complement: DLL1 is on the minus strand). VCF-style: chr6-170283825-C-T. GRCh37 (hg19) VCF-style: chr6-170592913-C-T.
Other names: short protein forms C485Y.
Identifiers: ClinVar variation 2419349 (VCV002419349.6), dbSNP rs1373981110, ClinGen allele CA366507233.

ClinVar aggregate classification (germline): Uncertain significance (1 of 4 stars; one submission).

Allele frequency attached by ClinVar (database versions not stated): gnomAD exomes below 0.00001; gnomAD 0.00002; TOPMed 0.00002.
gnomAD v4.1: 5 of 1,597,314 alleles (0.00031%); highest among the groups gnomAD compares: African/African-American, 0.0013%; no homozygotes.

Submission:

Labcorp Genetics (formerly Invitae), Labcorp
Classification: Uncertain significance. Last evaluated: 2026-02-01. Review status: criteria provided, single submitter. Criteria: Invitae Variant Classification Sherloc (09022015). Collection method: clinical testing. Allele origin: germline.
Comment: This sequence change replaces cysteine, which is neutral and slightly polar, with tyrosine, which is neutral and polar, at codon 485 of the DLL1 protein (p.Cys485Tyr). The frequency data for this variant in the population databases is considered unreliable, as metrics indicate poor data quality at this position in the gnomAD database. This variant has not been reported in the literature in individuals affected with DLL1-related conditions. ClinVar contains an entry for this variant (Variation ID: 2419349). An algorithm developed to predict the effect of missense changes on protein structure and function (PolyPhen-2) suggests that this variant is likely to be disruptive. Algorithms developed to predict the effect of sequence changes on RNA splicing suggest that this variant may create or strengthen a splice site. In summary, the available evidence is currently insufficient to determine the role of this variant in disease. Therefore, it has been classified as a Variant of Uncertain Significance.